The following is an entry in ClinVar:

NM_006070.6(TFG):c.689C>T (p.Thr230Ile)

Gene: TFG (trafficking from ER to golgi regulator; plus strand). Cytogenetic location: 3q12.2.
Variant type: single nucleotide variant.
Coding change: c.689C>T on transcript NM_006070.6 (MANE Select); coding-DNA position 689, C replaced by T.
Protein change: p.Thr230Ile; replaces threonine 230 with isoleucine.
Molecular consequence: missense variant.
Genome position (GRCh38, 1-based): chr3:100,736,684, C>T. VCF-style: chr3-100736684-C-T. GRCh37 (hg19) VCF-style: chr3-100455528-C-T.
Other names: c.689C>T, p.Thr230Ile (NM_001007565.2, NM_001195478.2, NM_001195479.2); short protein forms T230I.
Identifiers: ClinVar variation 2004195 (VCV002004195.4), dbSNP rs1170208575, ClinGen allele CA353847479.

ClinVar aggregate classification (germline): Uncertain significance (1 of 4 stars; one submission).

Conditions:
Hereditary spastic paraplegia 57. Also called: Spastic paraplegia 57, autosomal recessive. Identifiers: Orphanet 431329, MedGen C3714897, MONDO:0014295, OMIM 615658.
Hereditary motor and sensory neuropathy, Okinawa type (HMSNO). Also called: HEREDITARY MOTOR AND SENSORY NEUROPATHY, PROXIMAL TYPE. Identifiers: Orphanet 90117, MedGen C1858338, MONDO:0011468, OMIM 604484.

Allele frequency attached by ClinVar (database versions not stated): TOPMed below 0.00001; gnomAD 0.00001.
gnomAD v4.1: 1 of 1,613,858 alleles (0.000062%); highest among the groups gnomAD compares: Non-Finnish European, 0.000085%; no homozygotes.

Submission:

Labcorp Genetics (formerly Invitae), Labcorp
Classification: Uncertain significance for Hereditary motor and sensory neuropathy, Okinawa type; Hereditary spastic paraplegia 57. Last evaluated: 2022-06-10. Review status: criteria provided, single submitter. Criteria: Invitae Variant Classification Sherloc (09022015). Collection method: clinical testing. Allele origin: germline.
Comment: In summary, the available evidence is currently insufficient to determine the role of this variant in disease. Therefore, it has been classified as a Variant of Uncertain Significance. Algorithms developed to predict the effect of missense changes on protein structure and function (SIFT, PolyPhen-2, Align-GVGD) all suggest that this variant is likely to be tolerated. This variant has not been reported in the literature in individuals affected with TFG-related conditions. This variant is not present in population databases (gnomAD no frequency). This sequence change replaces threonine, which is neutral and polar, with isoleucine, which is neutral and non-polar, at codon 230 of the TFG protein (p.Thr230Ile).